The following is an entry in ClinVar:

ClinVar aggregate classification (germline): Uncertain significance (1 of 4 stars; one submission).

Submission:

Labcorp Genetics (formerly Invitae), Labcorp
Classification: Uncertain significance. Last evaluated: 2024-10-24. Review status: criteria provided, single submitter. Criteria: Invitae Variant Classification Sherloc (09022015). Collection method: clinical testing. Allele origin: germline.
Comment: This sequence change replaces alanine, which is neutral and non-polar, with threonine, which is neutral and polar, at codon 505 of the PLAA protein (p.Ala505Thr). This variant is not present in population databases (gnomAD no frequency). This variant has not been reported in the literature in individuals affected with PLAA-related conditions. ClinVar contains an entry for this variant (Variation ID: 2113314). An algorithm developed to predict the effect of missense changes on protein structure and function outputs the following: PolyPhen-2: "Benign". The threonine amino acid residue is found in multiple mammalian species, which suggests that this missense change does not adversely affect protein function. In summary, the available evidence is currently insufficient to determine the role of this variant in disease. Therefore, it has been classified as a Variant of Uncertain Significance.

NM_001031689.3(PLAA):c.1513G>A (p.Ala505Thr)

Gene: PLAA (phospholipase A2 activating protein; minus strand). Cytogenetic location: 9p21.2.
Variant type: single nucleotide variant.
Coding change: c.1513G>A on transcript NM_001031689.3 (MANE Select); coding-DNA position 1513, G replaced by A.
Protein change: p.Ala505Thr; replaces alanine 505 with threonine.
Molecular consequence: missense variant.
Genome position (GRCh38, 1-based): chr9:26,913,921, C>T on the plus strand (G>A on the coding strand, the complement: PLAA is on the minus strand). VCF-style: chr9-26913921-C-T. GRCh37 (hg19) VCF-style: chr9-26913919-C-T.
Other names: c.1444G>A, p.Ala482Thr (NM_001321546.2); short protein forms A482T, A505T.
Identifiers: ClinVar variation 2113314 (VCV002113314.3), dbSNP rs753410359, ClinGen allele CA373130874.